The following is an entry in ClinVar:

NM_020461.4(TUBGCP6):c.4357C>T (p.Arg1453Trp)

Gene: TUBGCP6 (tubulin gamma complex component 6; minus strand). Cytogenetic location: 22q13.33.
Variant type: single nucleotide variant.
Coding change: c.4357C>T on transcript NM_020461.4 (MANE Select); coding-DNA position 4357, C replaced by T.
Protein change: p.Arg1453Trp; replaces arginine 1453 with tryptophan.
Molecular consequence: missense variant.
Genome position (GRCh38, 1-based): chr22:50,219,415, G>A on the plus strand (C>T on the coding strand, the complement: TUBGCP6 is on the minus strand). VCF-style: chr22-50219415-G-A. GRCh37 (hg19) VCF-style: chr22-50657844-G-A.
Other names: short protein forms R1453W.
Identifiers: ClinVar variation 948329 (VCV000948329.6), dbSNP rs200744244, ClinGen allele CA10307533.
Genomic context (GRCh38, chr22:50,219,415, plus strand): 5'-GCACAGCAGTCTCATCAGCGGCAGACTGGACCTGGGGGTCCACGGGGAAGGCGAAGGCCC[G>A]GGGAAGCACGGGGCGCAAAAGATGAGCAATGGGCGGCTCGGCTGCGGGAGATGGAGCACG-3'
Protein context (NP_065194.3, residues 1443-1463): IAHLLRPVLP[Arg1453Trp]AFAFPVDPQV

ClinVar aggregate classification (germline): Uncertain significance. Review status: criteria provided, multiple submitters, no conflicts (2 of 4 stars). 3 submissions from 3 submitters: Uncertain significance (3). Last evaluated 2024-05-15.

Conditions:
Inborn genetic diseases. Identifiers: MedGen C0950123, MeSH D030342.

Allele frequency attached by ClinVar (database versions not stated): TOPMed 0.00011; ExAC 0.00014; gnomAD exomes 0.00012.
gnomAD v4.1: 456 of 1,568,410 alleles (0.029%); highest among the groups gnomAD compares: Non-Finnish European, 0.037%; no homozygotes.

Submissions (3):

Ambry Genetics
Classification: Uncertain significance for Inborn genetic diseases. Last evaluated: 2024-05-15. Review status: criteria provided, single submitter. Criteria: Ambry Variant Classification Scheme 2023. Collection method: clinical testing. Allele origin: germline.

Labcorp Genetics (formerly Invitae), Labcorp
Classification: Uncertain significance. Last evaluated: 2022-10-04. Review status: criteria provided, single submitter. Criteria: Invitae Variant Classification Sherloc (09022015). Collection method: clinical testing. Allele origin: germline.
Comment: This sequence change replaces arginine, which is basic and polar, with tryptophan, which is neutral and slightly polar, at codon 1453 of the TUBGCP6 protein (p.Arg1453Trp). This variant is present in population databases (rs200744244, gnomAD 0.02%). This variant has not been reported in the literature in individuals affected with TUBGCP6-related conditions. ClinVar contains an entry for this variant (Variation ID: 948329). Algorithms developed to predict the effect of missense changes on protein structure and function are either unavailable or do not agree on the potential impact of this missense change (SIFT: "Deleterious"; PolyPhen-2: "Possibly Damaging"; Align-GVGD: "Class C0"). In summary, the available evidence is currently insufficient to determine the role of this variant in disease. Therefore, it has been classified as a Variant of Uncertain Significance.

GeneDx
Classification: Uncertain significance. Last evaluated: 2022-09-22. Review status: criteria provided, single submitter. Criteria: GeneDx Variant Classification Process June 2021. Collection method: clinical testing. Allele origin: germline. Affected: yes.
Comment: In silico analysis supports that this missense variant has a deleterious effect on protein structure/function; Has not been previously published as pathogenic or benign to our knowledge